The following continues an entry in ClinVar:

NM_007294.4(BRCA1):c.5030_5033del (p.Thr1677fs)

Gene: BRCA1. ClinVar aggregate classification (germline): Pathogenic. Pathogenic (1).

Submissions 23 to 35 of 35:

Molecular Genetics Laboratory, University of Michigan
Classification: Pathogenic for Breast-ovarian cancer, familial, susceptibility to, 1. Last evaluated: 2014-11-03. Review status: criteria provided, single submitter. Criteria: ACMG Guidelines, 2015. Collection method: clinical testing. Allele origin: germline. Affected: yes. Not counted in ClinVar's aggregate classification.

Biomedical Genomics and Oncogenetics Laboratory, Institut Pasteur de Tunis, University Tunis El Manar
Classification: Pathogenic for Breast-ovarian cancer, familial, susceptibility to, 1. Review status: criteria provided, single submitter. Criteria: ACMG Guidelines, 2015. Collection method: clinical testing. Allele origin: germline. Affected: yes. Observed: 1 variant allele. Not counted in ClinVar's aggregate classification.

BRCAlab, Lund University
Classification: Pathogenic for Breast-ovarian cancer, familial, susceptibility to, 1. Last evaluated: 2022-08-26. Review status: no assertion criteria provided. Collection method: clinical testing. Allele origin: germline. Affected: yes. Not counted in ClinVar's aggregate classification.

Laboratory for Genotyping Development, RIKEN
Classification: Pathogenic for Gastric cancer. Last evaluated: 2021-07-01. Review status: no assertion criteria provided. Collection method: research. Allele origin: germline. Not counted in ClinVar's aggregate classification.

Counsyl
Classification: Pathogenic for Breast-ovarian cancer, familial, susceptibility to, 1. Last evaluated: 2017-06-27. Review status: no assertion criteria provided. Collection method: clinical testing. Allele origin: unknown. Not counted in ClinVar's aggregate classification.

Research Molecular Genetics Laboratory, Women's College Hospital, University of Toronto
Classification: Pathogenic for Hereditary breast ovarian cancer syndrome. Last evaluated: 2014-01-31. Review status: no assertion criteria provided. Collection method: research. Allele origin: germline. Affected: yes. Study: The Canadian Open Genetics Repository (COGR). Not counted in ClinVar's aggregate classification.

Foulkes Cancer Genetics LDI, Lady Davis Institute for Medical Research
Classification: Pathogenic for Breast and/or ovarian cancer. Last evaluated: 2013-11-04. Review status: no assertion criteria provided. Collection method: clinical testing. Allele origin: germline. Study: The Canadian Open Genetics Repository (COGR). Not counted in ClinVar's aggregate classification.

Sharing Clinical Reports Project (SCRP)
Classification: Pathogenic for Breast-ovarian cancer, familial 1. Last evaluated: 2012-05-01. Review status: no assertion criteria provided. Collection method: clinical testing. Allele origin: germline. Not counted in ClinVar's aggregate classification.

Breast Cancer Information Core (BIC) (BRCA1)
Classification: Pathogenic for Breast-ovarian cancer, familial 1. Last evaluated: 2002-05-29. Review status: no assertion criteria provided. Collection method: clinical testing. Allele origin: germline. Affected: yes. Observed: 413 variant alleles. Not counted in ClinVar's aggregate classification.

Clinical Genetics Laboratory, Department of Pathology, Netherlands Cancer Institute
Classification: Pathogenic. Review status: no assertion criteria provided. Collection method: clinical testing. Allele origin: germline. Affected: yes. Study: VKGL Data-share Consensus. Not counted in ClinVar's aggregate classification.

Department of Pathology and Laboratory Medicine, Sinai Health System
Classification: Pathogenic for Malignant tumor of breast. Review status: no assertion criteria provided. Collection method: clinical testing. Allele origin: unknown. Affected: yes. Observed: 1 variant allele. Study: The Canadian Open Genetics Repository (COGR). Not counted in ClinVar's aggregate classification.
Comment: The p.Thr1677IlefsX2 deletion variant was identified in 39 of 56694 proband chromosomes (frequency: 0.001) from individuals with breast or ovarian cancer (Caputo 2011, Ghiorzo 2012, Solano 2012, Stoppa-Lyonnet 1997, van der Hout 2006). This variant was also identified in the following databases: dbSNP (ID: rs80357862) â€šÃ„ÃºWith pathogenic alleleâ€šÃ„Ã¹, LOVD, UMD (59X as a causal variant), and BIC (17X with clinical importance). The p.Thr1677IlefsX2 variant is predicted to cause a frameshift, which alters the protein's amino acid sequence beginning at codon 1677 and leads to a premature stop codon at position 1678. This alteration is then predicted to result in a truncated or absent protein and loss of function, and is the type of variant expected to cause the disorder. In summary, based on the above information, this variant meets our laboratory's criteria to be classified as pathogenic.

Diagnostic Laboratory, Department of Genetics, University Medical Center Groningen
Classification: Pathogenic. Review status: no assertion criteria provided. Collection method: clinical testing. Allele origin: germline. Affected: yes. Study: VKGL Data-share Consensus. Not counted in ClinVar's aggregate classification.

Research and Experiment Center, Meizhou People's Hospital
Classification: Pathogenic for Familial cancer of breast. Review status: no assertion criteria provided. Collection method: clinical testing. Allele origin: germline. Affected: yes. Not counted in ClinVar's aggregate classification.

Literature cited by the submitters: PubMed 30551077 (cited by Victorian Clinical Genetics Services, Murdoch Childrens Research Institute); PubMed 9150149 (cited by 9 submitters); PubMed 21889927 (cited by Dasa); PubMed 22144684 (cited by 5 submitters); PubMed 22160602 (cited by 6 submitters); PubMed 29907814 (cited by 5 submitters); PubMed 27741520 (cited by 4 submitters); PubMed 33726785 (cited by 3 submitters); PubMed 32375709 (cited by Dasa); PubMed 21989022 (cited by Dasa); PubMed 11802209 (cited by Dasa); PubMed 20104584 (cited by Labcorp Genetics (formerly Invitae), Labcorp); PubMed 21989927 (cited by 4 submitters); PubMed 11597388 (cited by 3 submitters); PubMed 15146557 (cited by Ambry Genetics and Women's Health and Genetics/Laboratory Corporation of America, LabCorp); PubMed 15340362 (cited by Ambry Genetics); PubMed 16683254 (cited by Ambry Genetics and Women's Health and Genetics/Laboratory Corporation of America, LabCorp); PubMed 17221156 (cited by Ambry Genetics and Women's Health and Genetics/Laboratory Corporation of America, LabCorp); PubMed 22798144 (cited by 3 submitters); PubMed 23479189 (cited by Ambry Genetics and Color Diagnostics, LLC DBA Color Health); PubMed 23961350 (cited by Ambry Genetics and Color Diagnostics, LLC DBA Color Health); PubMed 25682074 (cited by Ambry Genetics); PubMed 26083025 (cited by Ambry Genetics); PubMed 26183948 (cited by Ambry Genetics); PubMed 27062684 (cited by Ambry Genetics and Quest Diagnostics Nichols Institute San Juan Capistrano); PubMed 27257965 (cited by 3 submitters); PubMed 28111427 (cited by Ambry Genetics and Quest Diagnostics Nichols Institute San Juan Capistrano); PubMed 28831036 (cited by Ambry Genetics and Quest Diagnostics Nichols Institute San Juan Capistrano); PubMed 29020732 (cited by 3 submitters); PubMed 29339979 (cited by 3 submitters); PubMed 29409476 (cited by Ambry Genetics and Color Diagnostics, LLC DBA Color Health); PubMed 29752822 (cited by 3 submitters); PubMed 30128899 (cited by 3 submitters); PubMed 30287823 (cited by Ambry Genetics and Quest Diagnostics Nichols Institute San Juan Capistrano); PubMed 24916970 (cited by Color Diagnostics, LLC DBA Color Health); PubMed 25863477 (cited by Color Diagnostics, LLC DBA Color Health); PubMed 33471991 (cited by Color Diagnostics, LLC DBA Color Health); PubMed 27553291 (cited by Mayo Clinic Laboratories, Mayo Clinic and Quest Diagnostics Nichols Institute San Juan Capistrano); PubMed 29446198 (cited by Mayo Clinic Laboratories, Mayo Clinic); PubMed 29625052 (cited by Mayo Clinic Laboratories, Mayo Clinic and Quest Diagnostics Nichols Institute San Juan Capistrano); PubMed 30040829 (cited by Mayo Clinic Laboratories, Mayo Clinic); PubMed 30309222 (cited by Mayo Clinic Laboratories, Mayo Clinic and Quest Diagnostics Nichols Institute San Juan Capistrano); PubMed 30613976 (cited by Mayo Clinic Laboratories, Mayo Clinic and Quest Diagnostics Nichols Institute San Juan Capistrano); PubMed 32772980 (cited by Mayo Clinic Laboratories, Mayo Clinic); PubMed 22277901 (cited by Women's Health and Genetics/Laboratory Corporation of America, LabCorp); PubMed 31372034 (cited by Quest Diagnostics Nichols Institute San Juan Capistrano); PubMed 26689913 (cited by Quest Diagnostics Nichols Institute San Juan Capistrano); PubMed 30199306 (cited by Quest Diagnostics Nichols Institute San Juan Capistrano); PubMed 30702160 (cited by Quest Diagnostics Nichols Institute San Juan Capistrano); PubMed 30787465 (cited by Quest Diagnostics Nichols Institute San Juan Capistrano); PubMed 30875412 (cited by Quest Diagnostics Nichols Institute San Juan Capistrano); PubMed 32072338 (cited by Quest Diagnostics Nichols Institute San Juan Capistrano); PubMed 32341426 (cited by Quest Diagnostics Nichols Institute San Juan Capistrano); PubMed 32719484 (cited by Quest Diagnostics Nichols Institute San Juan Capistrano); PubMed 26295337 (cited by Quest Diagnostics Nichols Institute San Juan Capistrano); PubMed 36988593 (cited by Laboratory for Genotyping Development, RIKEN).